The following is an entry in ClinVar:

ClinVar aggregate classification (germline): Likely pathogenic. Review status: reviewed by expert panel (3 of 4 stars). 2 submissions from 2 submitters: Likely pathogenic (1). 1 of the submissions does not count toward it. Last evaluated 2026-10-15.

Conditions:
Hereditary thrombocytopenia and hematologic cancer predisposition syndrome. Identifiers: Orphanet 71290, MedGen CN281654, MONDO:0011071.
Hereditary thrombocytopenia and hematological cancer predisposition syndrome associated with RUNX1. Also called: Familial Platelet Disorder with Propensity to Acute Myelogenous Leukemia; Familial thrombocytopenia with propensity to acute myelogenous leukemia; RUNX1 Familial Platelet Disorder with Associated Myeloid Malignancies; PLATELET DISORDER, ASPIRIN-LIKE. Identifiers: Orphanet 71290, MedGen C1832388, MeSH C563324, MONDO:0100083, OMIM 601399.

Submissions (2):

ClinGen Myeloid Malignancy Variant Curation Expert Panel
Classification: Likely pathogenic for Hereditary thrombocytopenia and hematologic cancer predisposition syndrome. Last evaluated: 2026-10-15. Review status: reviewed by expert panel. Criteria: ClinGen MyeloMalig ACMG Specifications V3.1. Collection method: curation. Allele origin: germline. Inheritance: Autosomal dominant inheritance.
Comment: NM_001754.5(RUNX1):c.1412_1413del (p.Arg471fs) is a frameshift variant which is not predicted to undergo NMD (PVS1_Strong). This variant is downstream of c.98 (PM5_Supporting) and is completely absent from all population databases with at least 20x coverage for RUNX1 (PM2_Supporting). In summary, this variant meets criteria to be classified as likely pathogenic. ACMG/AMP criteria applied, as specified by the ClinGen Myeloid Malignancy Variant Curation Expert Panel for RUNX1: PVS1_Strong, PM5_Supporting, PM2_Supporting.

Labcorp Genetics (formerly Invitae), Labcorp
Classification: Uncertain significance for Hereditary thrombocytopenia and hematological cancer predisposition syndrome associated with RUNX1. Last evaluated: 2021-03-12. Review status: criteria provided, single submitter. Criteria: Invitae Variant Classification Sherloc (09022015). Collection method: clinical testing. Allele origin: germline. Not counted in ClinVar's aggregate classification.
Comment: The frequency data for this variant in the population databases is considered unreliable, as metrics indicate insufficient coverage at this position in the ExAC database. This variant has not been reported in the literature in individuals with RUNX1-related conditions. In summary, the available evidence is currently insufficient to determine the role of this variant in disease. Therefore, it has been classified as a Variant of Uncertain Significance. This sequence change results in a frameshift in the RUNX1 gene (p.Arg471Profs*128). While this is not anticipated to result in nonsense mediated decay, it is expected to disrupt the last 10 amino acid(s) of the RUNX1 protein and extend the protein by 117 additional amino acid residues.

NM_001754.5(RUNX1):c.1412_1413del (p.Arg471fs)

Gene: RUNX1 (RUNX family transcription factor 1; minus strand). Cytogenetic location: 21q22.12.
Variant type: Microsatellite.
Coding change: c.1412_1413del on transcript NM_001754.5 (MANE Select); coding-DNA positions 1412 to 1413, 2 bases deleted (GC; older notation c.1412_1413delGC).
Protein change: p.Arg471fs; shifts the reading frame from arginine 471.
Molecular consequence: frameshift variant.
Genome position (GRCh38, 1-based): chr21:34,792,165-34,792,166, GC deleted on the plus strand (GC on the coding strand, the reverse complement: RUNX1 is on the minus strand); deleting any 2 consecutive bases within chr21:34,792,165-34,792,171 gives the same sequence; the c. name uses the placement nearest the transcript's 3' end. VCF-style (leftmost placement, unchanged base first): chr21-34792164-GGC-G. GRCh37 (hg19) VCF-style: chr21-36164461-GGC-G.
Other names: NM_001754.5(RUNX1):c.1412_1413del; p.Arg471fs; c.1331_1332del, p.Arg444fs (NM_001001890.3); short protein forms R471fs, R444fs.
Identifiers: ClinVar variation 1349747 (VCV001349747.7), dbSNP rs1555884790, ClinGen allele CA2580616384.